The following is an entry in ClinVar:

ClinVar aggregate classification (germline): Uncertain significance (1 of 4 stars; one submission).

Allele frequency attached by ClinVar (database versions not stated): gnomAD 0.00001; TOPMed 0.00001; ExAC 0.00005.
gnomAD v4.1: 18 of 1,546,096 alleles (0.0012%); highest among the groups gnomAD compares: East Asian, 0.0024%; no homozygotes.

Submission:

Ambry Genetics
Classification: Uncertain significance. Last evaluated: 2023-05-04. Review status: criteria provided, single submitter. Criteria: Ambry Variant Classification Scheme 2023. Collection method: clinical testing. Allele origin: germline.
Comment: The c.2560C>T (p.R854C) alteration is located in exon (coding exon ) of the PARG gene. This alteration results from a C to T substitution at nucleotide position 2560, causing the arginine (R) at amino acid position 854 to be replaced by a cysteine (C). Based on insufficient or conflicting evidence, the clinical significance of this alteration remains unclear.

NM_003631.5(PARG):c.2560C>T (p.Arg854Cys)

Gene: PARG (poly(ADP-ribose) glycohydrolase; minus strand). Cytogenetic location: 10q11.23.
Variant type: single nucleotide variant.
Coding change: c.2560C>T on transcript NM_003631.5 (MANE Select); coding-DNA position 2560, C replaced by T.
Protein change: p.Arg854Cys; replaces arginine 854 with cysteine.
Molecular consequence: missense variant. On other transcripts: non-coding transcript variant (7).
Genome position (GRCh38, 1-based): chr10:49,832,890, G>A on the plus strand (C>T on the coding strand, the complement: PARG is on the minus strand). VCF-style: chr10-49832890-G-A. GRCh37 (hg19) VCF-style: chr10-51040936-G-A.
Other names: c.2314C>T, p.Arg772Cys (NM_001303486.3, NM_001324381.3); c.2236C>T, p.Arg746Cys (NM_001303487.3); c.1318C>T, p.Arg440Cys (NM_001303489.3); short protein forms R772C, R854C, R746C, R440C.
Identifiers: ClinVar variation 2518578 (VCV002518578.2), dbSNP rs782285986, ClinGen allele CA5499127.